The following is an entry in ClinVar:

ClinVar aggregate classification (germline): Likely benign (0 of 4 stars; one submission).

Conditions:
TUB-related disorder. Also called: TUB-related condition.

gnomAD v4.1: 30 of 1,544,148 alleles (0.0019%); highest among the groups gnomAD compares: Non-Finnish European, 0.0026%; no homozygotes.

Submission:

PreventionGenetics, part of Exact Sciences
Classification: Likely benign for TUB-related condition. Last evaluated: 2019-11-06. Review status: no assertion criteria provided. Collection method: clinical testing. Allele origin: germline.
Comment: This variant is classified as likely benign based on ACMG/AMP sequence variant interpretation guidelines (Richards et al. 2015 PMID: 25741868, with internal and published modifications).

NM_177972.3(TUB):c.38+4C>A

Gene: TUB (TUB bipartite transcription factor; plus strand). Cytogenetic location: 11p15.4.
Variant type: single nucleotide variant.
Coding change: c.38+4C>A on transcript NM_177972.3 (MANE Select); 4 bases into the intron after coding-DNA position 38, C replaced by A.
Molecular consequence: intron variant.
Genome position (GRCh38, 1-based): chr11:8,081,552, C>A. VCF-style: chr11-8081552-C-A. GRCh37 (hg19) VCF-style: chr11-8103099-C-A.
Other names: c.204-8058C>A (NM_003320.5).
Identifiers: ClinVar variation 3351737 (VCV003351737.1).
Genomic context (GRCh38, chr11:8,081,552, plus strand): 5'-CGCCCCGCCCCCGAGAGACATGACTTCCAAGCCGCATTCCGACTGGATTCCCTACAGGTA[C>A]GCGGGCGCCGGGCCGGGGCGCCCACCACTCCCGACTCGGGACGTGAGCTGGCTGGGGATA-3'